The following is an entry in ClinVar:

NM_000038.6(APC):c.866C>A (p.Ala289Asp)

Gene: APC (APC regulator of Wnt signaling pathway; plus strand). Cytogenetic location: 5q22.2.
Variant type: single nucleotide variant.
Coding change: c.866C>A on transcript NM_000038.6 (MANE Select); coding-DNA position 866, C replaced by A.
Protein change: p.Ala289Asp; replaces alanine 289 with aspartic acid.
Molecular consequence: missense variant. On other transcripts: non-coding transcript variant (2).
Genome position (GRCh38, 1-based): chr5:112,815,526, C>A. VCF-style: chr5-112815526-C-A. GRCh37 (hg19) VCF-style: chr5-112151223-C-A.
Other names: c.782C>A, p.Ala261Asp (NM_001407452.1, NM_001407467.1, NM_001407469.1 and 1 more transcripts); c.689C>A, p.Ala230Asp (NM_001407453.1, NM_001354900.2, NM_001354901.2 and 1 more transcripts); c.866C>A, p.Ala289Asp (NM_001407454.1, NM_001407455.1, NM_001407456.1 and 12 more transcripts); c.896C>A, p.Ala299Asp (NM_001407446.1, NM_001354897.2, NM_001354902.2); c.791C>A, p.Ala264Asp (NM_001407451.1, NM_001354898.2, NM_001354904.2); c.17C>A, p.Ala6Asp (NM_001407470.1, NM_001407471.1, NM_001407472.1 and 1 more transcripts); c.812C>A, p.Ala271Asp (NM_001127511.3); short protein forms A289D, A261D, A230D, A264D, A271D, A299D, A6D.
Identifiers: ClinVar variation 4843503 (VCV004843503.1).
Genomic context (GRCh38, chr5:112,815,526, plus strand): 5'-ATACCATCTATAATGTGCTTAATTTTTAGGGTTCAACTACACGAATGGACCATGAAACAG[C>A]CAGTGTTTTGAGTTCTAGTAGCACACACTCTGCACCTCGAAGGCTGACAAGTCATCTGGG-3'
Protein context (NP_000029.2, residues 279-299): GSTTRMDHET[Ala289Asp]SVLSSSSTHS

ClinVar aggregate classification (germline): Uncertain significance (1 of 4 stars; one submission).

Conditions:
Hereditary cancer-predisposing syndrome. Also called: Neoplastic Syndromes, Hereditary; Tumor predisposition; Hereditary Cancer Syndrome; Hereditary neoplastic syndrome. Identifiers: Orphanet 140162, MedGen C0027672, MeSH D009386, MONDO:0015356.

Submission:

Ambry Genetics
Classification: Uncertain significance for Hereditary cancer-predisposing syndrome. Last evaluated: 2025-12-18. Review status: criteria provided, single submitter. Criteria: Ambry Variant Classification Scheme 2023. Collection method: clinical testing. Allele origin: germline.
Comment: The p.A289D variant (also known as c.866C>A), located in coding exon 8 of the APC gene, results from a C to A substitution at nucleotide position 866. The alanine at codon 289 is replaced by aspartic acid, an amino acid with dissimilar properties. This amino acid position is well conserved in available vertebrate species. In addition, in silico predictors for this gene do not accurately predict pathogenicity. Missense variants in APC are not a common cause of disease (Spier I et al. Genet Med. 2024 Feb;26(2):100992). Based on the available evidence, the clinical significance of this variant remains unclear.